The following is an entry in ClinVar:

NM_005720.4(ARPC1B):c.64+1G>A

Variant type: Haplotype.
Coding change: c.64+1G>A on transcript NM_005720.4; the canonical splice donor site of the intron after coding-DNA position 64, G replaced by A.
Identifiers: ClinVar variation 624587 (VCV000624587.5).

ClinVar aggregate classification (germline): Pathogenic. Review status: criteria provided, multiple submitters, no conflicts (2 of 4 stars). 4 submissions from 4 submitters: Pathogenic (3). 1 of the submissions does not count toward it. Last evaluated 2025-01-20.

Conditions:
Platelet abnormalities with eosinophilia and immune-mediated inflammatory disease. Also called: IMMUNODEFICIENCY 71 WITH INFLAMMATORY DISEASE AND CONGENITAL THROMBOCYTOPENIA. Identifiers: MedGen C4540232, MONDO:0060583, OMIM 617718.

Submissions (4):

Dasa
Classification: Pathogenic. Last evaluated: 2025-01-20. Review status: criteria provided, single submitter. Criteria: DASA Assertion Criteria. Collection method: clinical testing. Allele origin: germline.
Comment: NM_005720.4(ARPC1B):c.64+1G>A introduces a premature termination codon predicted to result in loss of normal protein function. Loss-of-function is an established mechanism of disease for this gene. This variant results in the same amino acid change as a previously established pathogenic variant. This variant has been observed in affected individuals with related phenotype in a genotype context consistent with recessive disease (PMID: 30254128). This variant has been reported in individuals with related phenotype (PMID: 30254128). The variant is present at low frequency in population datasets. Based on the available data, this variant is classified as pathogenic.

Labcorp Genetics (formerly Invitae), Labcorp
Classification: Pathogenic. Last evaluated: 2023-06-17. Review status: criteria provided, single submitter. Criteria: Invitae Variant Classification Sherloc (09022015). Collection method: clinical testing. Allele origin: germline.
Comment: For these reasons, this variant has been classified as Pathogenic. Algorithms developed to predict the effect of sequence changes on RNA splicing suggest that this variant may disrupt the consensus splice site. Disruption of this splice site has been observed in individuals with clinical features of ARPC1B-related conditions (PMID: 30254128, 30771411, 31031743). The frequency data for this variant in the population databases is considered unreliable, as metrics indicate poor data quality at this position in the gnomAD database. This sequence change affects a donor splice site in intron 2 of the ARPC1B gene. It is expected to disrupt RNA splicing. Variants that disrupt the donor or acceptor splice site typically lead to a loss of protein function (PMID: 16199547), and loss-of-function variants in ARPC1B are known to be pathogenic (PMID: 27965109, 28368018, 29127144).

Mendelics
Classification: Pathogenic for Platelet abnormalities with eosinophilia and immune-mediated inflammatory disease. Last evaluated: 2019-05-28. Review status: criteria provided, single submitter. Criteria: Mendelics Assertion Criteria 2017. Collection method: clinical testing. Allele origin: unknown.

Laboratory of Pediatric Immunoinfectivology, Tor Vergata University
Classification: Pathogenic for Platelet abnormalities with eosinophilia and immune-mediated inflammatory disease. Last evaluated: 2019-02-28. Review status: no assertion criteria provided. Collection method: clinical testing. Allele origin: germline. Affected: yes. Not counted in ClinVar's aggregate classification.
Comment: CID (Combined Immunodeficiency) Reduced T cells, B+, reduced NK cells , reduced IgG and IgM, increased IgA and IgE

Literature cited by the submitters: PubMed 30254128 (cited by 3 submitters); PubMed 30771411 (cited by Labcorp Genetics (formerly Invitae), Labcorp); PubMed 31031743 (cited by Labcorp Genetics (formerly Invitae), Labcorp); PubMed 16199547 (cited by Labcorp Genetics (formerly Invitae), Labcorp); PubMed 27965109 (cited by Labcorp Genetics (formerly Invitae), Labcorp); PubMed 28368018 (cited by Labcorp Genetics (formerly Invitae), Labcorp); PubMed 29127144 (cited by Labcorp Genetics (formerly Invitae), Labcorp); DOI 10.3389/fimmu.2019.00316 (cited by Laboratory of Pediatric Immunoinfectivology, Tor Vergata University).